The following is an entry in ClinVar:

NM_001374828.1(ARID1B):c.3682G>T (p.Val1228Phe)

Gene: ARID1B (AT-rich interaction domain 1B; plus strand). Cytogenetic location: 6q25.3.
Variant type: single nucleotide variant.
Coding change: c.3682G>T on transcript NM_001374828.1 (MANE Select); coding-DNA position 3682, G replaced by T.
Protein change: p.Val1228Phe; replaces valine 1228 with phenylalanine.
Molecular consequence: missense variant.
Genome position (GRCh38, 1-based): chr6:157,181,146, G>T. VCF-style: chr6-157181146-G-T. GRCh37 (hg19) VCF-style: chr6-157502280-G-T.
Other names: c.3433G>T, p.Val1145Phe (NM_001346813.1); c.1183G>T, p.Val395Phe (NM_001363725.2); c.3562G>T, p.Val1188Phe (NM_001371656.1, NM_001374820.1); c.3523G>T, p.Val1175Phe (NM_017519.3); c.3313G>T, p.Val1105Phe (NM_020732.3); c.3100G>T, p.Val1034Phe (NM_175863.2); short protein forms V1145F, V1034F, V1175F, V1188F, V395F, V1105F, V1228F.
Identifiers: ClinVar variation 2109764 (VCV002109764.4), dbSNP rs775526039, ClinGen allele CA366228332.

ClinVar aggregate classification (germline): Uncertain significance (1 of 4 stars; one submission).

Submission:

Labcorp Genetics (formerly Invitae), Labcorp
Classification: Uncertain significance. Last evaluated: 2025-05-26. Review status: criteria provided, single submitter. Criteria: Invitae Variant Classification Sherloc (09022015). Collection method: clinical testing. Allele origin: germline.
Comment: This sequence change replaces valine, which is neutral and non-polar, with phenylalanine, which is neutral and non-polar, at codon 1105 of the ARID1B protein (p.Val1105Phe). This variant is not present in population databases (gnomAD no frequency). This variant has not been reported in the literature in individuals affected with ARID1B-related conditions. ClinVar contains an entry for this variant (Variation ID: 2109764). Invitae Evidence Modeling of protein sequence and biophysical properties (such as structural, functional, and spatial information, amino acid conservation, physicochemical variation, residue mobility, and thermodynamic stability) indicates that this missense variant is not expected to disrupt ARID1B protein function with a negative predictive value of 95%. In summary, the available evidence is currently insufficient to determine the role of this variant in disease. Therefore, it has been classified as a Variant of Uncertain Significance.